The following is an entry in ClinVar:

NM_001378452.1(ITPR1):c.2T>C (p.Met1Thr)

Gene: ITPR1 (inositol 1,4,5-trisphosphate receptor type 1; plus strand). Cytogenetic location: 3p26.1.
Variant type: single nucleotide variant.
Coding change: c.2T>C on transcript NM_001378452.1 (MANE Select); coding-DNA position 2, T replaced by C.
Protein change: p.Met1Thr; changes the start codon (methionine 1).
Molecular consequence: missense variant, initiator codon variant.
Genome position (GRCh38, 1-based): chr3:4,516,493, T>C. VCF-style: chr3-4516493-T-C. GRCh37 (hg19) VCF-style: chr3-4558177-T-C.
Other names: c.2T>C, p.Met1Thr (NM_001099952.4, NM_001168272.2, NM_002222.7); short protein forms M1T.
Identifiers: ClinVar variation 653258 (VCV000653258.5), dbSNP rs1575381029, ClinGen allele CA351793611.

ClinVar aggregate classification (germline): Uncertain significance (1 of 4 stars; one submission).

Allele frequency attached by ClinVar (database versions not stated): gnomAD exomes below 0.00001.

Submission:

Labcorp Genetics (formerly Invitae), Labcorp
Classification: Uncertain significance. Last evaluated: 2018-10-06. Review status: criteria provided, single submitter. Criteria: Invitae Variant Classification Sherloc (09022015). Collection method: clinical testing. Allele origin: germline.
Comment: This sequence change affects the initiator methionine of the ITPR1 mRNA. The next in-frame methionine is located at codon 5. This variant is expected to result in an absent or disrupted protein product. If translation initiation is rescued by the downstream methionine at codon 5, this would result in loss of first 4 amino acids from the N-terminal suppressor domain of the ITPR1 protein. In summary, the available evidence is currently insufficient to determine the role of this variant in disease. Therefore, it has been classified as a Variant of Uncertain Significance. This variant has not been reported in the literature in individuals with ITPR1-related disease. This variant is not present in population databases (ExAC no frequency).